The following is an entry in ClinVar:

ClinVar aggregate classification (germline): Uncertain significance (1 of 4 stars; one submission).

Conditions:
Hereditary spastic paraplegia 6 (SPG6). Also called: SPASTIC PARAPLEGIA 6, AUTOSOMAL DOMINANT. Identifiers: Orphanet 100988, MedGen C1838192, MONDO:0010878, OMIM 600363.

Submission:

Labcorp Genetics (formerly Invitae), Labcorp
Classification: Uncertain significance for Hereditary spastic paraplegia 6. Last evaluated: 2021-08-16. Review status: criteria provided, single submitter. Criteria: Invitae Variant Classification Sherloc (09022015). Collection method: clinical testing. Allele origin: germline.
Comment: This sequence change replaces lysine with glutamine at codon 250 of the NIPA1 protein (p.Lys250Gln). The lysine residue is highly conserved and there is a small physicochemical difference between lysine and glutamine. This variant is not present in population databases (ExAC no frequency). This missense change has been observed in individuals with clinical features of hereditary spastic paraplegia (PMID: 31630374; Invitae). Algorithms developed to predict the effect of missense changes on protein structure and function are either unavailable or do not agree on the potential impact of this missense change (SIFT: "Deleterious"; PolyPhen-2: "Probably Damaging"; Align-GVGD: "Class C0"). In summary, the available evidence is currently insufficient to determine the role of this variant in disease. Therefore, it has been classified as a Variant of Uncertain Significance.

Literature cited by the submitters: PubMed 31630374.

NM_144599.5(NIPA1):c.748A>C (p.Lys250Gln)

Gene: NIPA1 (NIPA magnesium transporter 1; plus strand). Cytogenetic location: 15q11.2.
Variant type: single nucleotide variant.
Coding change: c.748A>C on transcript NM_144599.5 (MANE Select); coding-DNA position 748, A replaced by C.
Protein change: p.Lys250Gln; replaces lysine 250 with glutamine.
Molecular consequence: missense variant.
Genome position (GRCh38, 1-based): chr15:22,823,997, A>C. VCF-style: chr15-22823997-A-C. GRCh37 (hg19) VCF-style: chr15-23049071-T-G.
Other names: c.523A>C, p.Lys175Gln (NM_001142275.1); short protein forms K250Q, K175Q.
Identifiers: ClinVar variation 1501167 (VCV001501167.6), dbSNP rs1489382661, ClinGen allele CA391304077.